The following is an entry in ClinVar:

ClinVar aggregate classification (germline): Pathogenic/Likely pathogenic. Review status: criteria provided, multiple submitters, no conflicts (2 of 4 stars). 8 submissions from 8 submitters: Pathogenic (5); Likely pathogenic (1). 2 of the submissions do not count toward it. Last evaluated 2026-01-13.

Conditions:
FANCA-related disorders.
Fanconi anemia (FA). Also called: Fanconi's anemia. Identifiers: Orphanet 84, MedGen C0015625, MeSH D005199, MONDO:0019391.
Fanconi anemia complementation group A (FANCA). Also called: Fanconi anemia, group A; FANCA-Related Fanconi Anemia. Identifiers: Orphanet 84, MedGen C3469521, MONDO:0009215, OMIM 227650.

Allele frequency attached by ClinVar (database versions not stated): gnomAD exomes below 0.00001 and 0.00001; ExAC 0.00002; gnomAD 0.00002; TOPMed 0.00002; ESP Exome Variant Server 0.00008.
gnomAD v4.1: 7 of 1,613,876 alleles (0.00043%); highest among the groups gnomAD compares: African/African-American, 0.0027%; no homozygotes.

Submissions (8):

Labcorp Genetics (formerly Invitae), Labcorp
Classification: Pathogenic for Fanconi anemia. Last evaluated: 2026-01-13. Review status: criteria provided, single submitter. Criteria: Invitae Variant Classification Sherloc (09022015). Collection method: clinical testing. Allele origin: germline.
Comment: This sequence change replaces arginine, which is basic and polar, with cysteine, which is neutral and slightly polar, at codon 435 of the FANCA protein (p.Arg435Cys). The frequency data for this variant in the population databases is considered unreliable, as metrics indicate poor data quality at this position in the gnomAD database. This missense change has been observed in individuals with Fanconi anemia (PMID: 10090479, 15523645, 28102861). ClinVar contains an entry for this variant (Variation ID: 555603). Invitae Evidence Modeling of protein sequence and biophysical properties (such as structural, functional, and spatial information, amino acid conservation, physicochemical variation, residue mobility, and thermodynamic stability) has been performed for this missense variant. However, the output from this modeling did not meet the statistical confidence thresholds required to predict the impact of this variant on FANCA protein function. Experimental studies have shown that this missense change affects FANCA function (PMID: 11739169, 12444097). This variant disrupts the p.Arg435 amino acid residue in FANCA. Other variant(s) that disrupt this residue have been determined to be pathogenic (PMID: 19367192; internal data). This suggests that this residue is clinically significant, and that variants that disrupt this residue are likely to be disease-causing. For these reasons, this variant has been classified as Pathogenic.

Natera, Inc.
Classification: Pathogenic for Fanconi anemia. Last evaluated: 2024-12-30. Review status: criteria provided, single submitter. Criteria: Natera Variant Classification Schema (03/2026). Collection method: clinical testing. Allele origin: germline.
Comment: The c.1303C>T variant in FANCA is a missense variant predicted to cause substitution of arginine to cysteine at amino acid 435. This variant is rare in the general population with a frequency below the threshold expected for the associated phenotype(s). This variant has been observed in one or more individuals affected with the associated recessive disease, as either homozygous or compound heterozygous with a second variant (PMID: 29098742). A different variant at the same position has been determined to be Pathogenic or Likely Pathogenic. Computational prediction algorithms indicate this variant is likely to affect gene or protein function. Given the available evidence, this variant is classified as Pathogenic.

Fulgent Genetics
Classification: Pathogenic for Fanconi anemia complementation group A. Last evaluated: 2024-06-07. Review status: criteria provided, single submitter. Criteria: ACMG Guidelines, 2015. Collection method: clinical testing. Allele origin: germline.

Quest Diagnostics Nichols Institute San Juan Capistrano
Classification: Pathogenic. Last evaluated: 2023-05-22. Review status: criteria provided, single submitter. Criteria: Quest Diagnostics criteria. Collection method: clinical testing. Allele origin: unknown.
Comment: The FANCA c.1303C>T (p.Arg435Cys) variant has been reported in the published literature in individuals with Fanconi anemia (PMID: 10090479 (1999), 12444097 (2002), 15523645 (2004), 26799702 (2016), 28102861 (2017)). Published functional studies show that this variant disrupts the protein function (PMID: 11739169 (2001), 12444097 (2002)). The frequency of this variant in the general population, 0.000011 (3/282316 chromosomes (Genome Aggregation Database)), is uninformative in the assessment of its pathogenicity. Analysis of this variant using bioinformatics tools for the prediction of the effect of amino acid changes on protein structure and function yielded predictions that this variant is damaging. Additional analysis using software algorithms for the prediction of the effect of nucleotide changes on splicing yielded predictions that this variant does not affect FANCA mRNA splicing. Based on the available information, this variant is classified as pathogenic.

Women's Health and Genetics/Laboratory Corporation of America, LabCorp
Classification: Pathogenic for Fanconi anemia. Last evaluated: 2021-12-14. Review status: criteria provided, single submitter. Criteria: LabCorp Variant Classification Summary - May 2015. Collection method: clinical testing. Allele origin: germline.
Comment: Variant summary: FANCA c.1303C>T (p.Arg435Cys) results in a non-conservative amino acid change located in the Fanconi anaemia group A protein, N-terminal domain (IPR031729) of the encoded protein sequence. Five of five in-silico tools predict a damaging effect of the variant on protein function. The variant allele was found at a frequency of 8e-06 in 250930 control chromosomes. c.1303C>T has been reported in the literature as a homozygous and compound heterozygous genotype in multiple individuals affected with Fanconi Anemia (example, Adachi_2002, Tachibana_1999, Yagasaki_2004, Muramatsu_2017). These data indicate that the variant is very likely to be associated with disease. At least two publications report experimental evidence evaluating an impact on protein function (example, Adachi_2002, Yagasaki_2001). The most pronounced variant effect results in a failure to correct sensitivity to mitomycin C induced DNA damage, defective for in-vivo phosphorylation and failure to induce monoubiquitination of FANCD2. Two clinical diagnostic laboratories and the LOVD database have submitted clinical-significance assessments for this variant to ClinVar after 2014 without evidence for independent evaluation. All submitters classified the variant as pathogenic (n=2)/likely pathogenic (n=1). Based on the evidence outlined above, the variant was classified as pathogenic.

Blueprint Genetics
Classification: Likely pathogenic for FANCA-related disorders. Last evaluated: 2018-08-16. Review status: criteria provided, single submitter. Criteria: ACMG Guidelines, 2015. Collection method: clinical testing. Allele origin: germline. Affected: yes. Observed: 2 variant alleles.

Leiden Open Variation Database
Classification: Pathogenic for Fanconi anemia complementation group A. Last evaluated: 2020-02-28. Review status: no assertion criteria provided. Collection method: curation. Allele origin: germline. Affected: yes. Not counted in ClinVar's aggregate classification.
Comment: Curator: Arleen D. Auerbach. Submitter to LOVD: Arleen D. Auerbach.

Counsyl
Classification: Likely pathogenic for Fanconi anemia complementation group A. Last evaluated: 2017-12-14. Review status: no assertion criteria provided. Collection method: clinical testing. Allele origin: unknown. Not counted in ClinVar's aggregate classification.

Literature cited by the submitters: PubMed 10090479 (cited by 5 submitters); PubMed 15523645 (cited by 5 submitters); PubMed 28102861 (cited by 3 submitters); PubMed 11739169 (cited by 4 submitters); PubMed 12444097 (cited by 5 submitters); PubMed 19367192 (cited by Labcorp Genetics (formerly Invitae), Labcorp); PubMed 29098742 (cited by Natera, Inc.); PubMed 26799702 (cited by Quest Diagnostics Nichols Institute San Juan Capistrano and Counsyl); PubMed 15643609 (cited by Counsyl); PubMed 10807541 (cited by Counsyl); PubMed 24037726 (cited by Counsyl); PubMed 9371798 (cited by Counsyl).

NM_000135.4(FANCA):c.1303C>T (p.Arg435Cys)

Gene: FANCA (FA complementation group A; minus strand). Cytogenetic location: 16q24.3.
Variant type: single nucleotide variant.
Coding change: c.1303C>T on transcript NM_000135.4 (MANE Select); coding-DNA position 1303, C replaced by T.
Protein change: p.Arg435Cys; replaces arginine 435 with cysteine.
Molecular consequence: missense variant.
Genome position (GRCh38, 1-based): chr16:89,791,459, G>A on the plus strand (C>T on the coding strand, the complement: FANCA is on the minus strand). VCF-style: chr16-89791459-G-A. GRCh37 (hg19) VCF-style: chr16-89857867-G-A.
Other names: c.1303C>T, p.Arg435Cys (NM_001286167.3); c.1303C>T (NM_000135.3, LRG_495t1); short protein forms R435C.
Identifiers: ClinVar variation 555603 (VCV000555603.23), dbSNP rs148473140, ClinGen allele CA8252408.